The following is an entry in ClinVar:

ClinVar aggregate classification (germline): Uncertain significance. Review status: criteria provided, multiple submitters, no conflicts (2 of 4 stars). 2 submissions from 2 submitters: Uncertain significance (2). Last evaluated 2024-10-04.

Allele frequency attached by ClinVar (database versions not stated): gnomAD exomes 0.00002; ExAC 0.00003.

Submissions (2):

Ambry Genetics
Classification: Uncertain significance. Last evaluated: 2024-10-04. Review status: criteria provided, single submitter. Criteria: Ambry Variant Classification Scheme 2023. Collection method: clinical testing. Allele origin: germline.

GeneDx
Classification: Uncertain significance. Last evaluated: 2023-01-30. Review status: criteria provided, single submitter. Criteria: GeneDx Variant Classification Process June 2021. Collection method: clinical testing. Allele origin: germline. Affected: yes.
Comment: In silico analysis supports that this missense variant does not alter protein structure/function; Has not been previously published as pathogenic or benign to our knowledge

NM_138775.3(ALKBH8):c.170G>A (p.Ser57Asn)

Gene: ALKBH8 (alkB homolog 8, tRNA methyltransferase; minus strand). Cytogenetic location: 11q22.3.
Variant type: single nucleotide variant.
Coding change: c.170G>A on transcript NM_138775.3 (MANE Select); coding-DNA position 170, G replaced by A.
Protein change: p.Ser57Asn; replaces serine 57 with asparagine.
Molecular consequence: missense variant. On other transcripts: non-coding transcript variant (6).
Genome position (GRCh38, 1-based): chr11:107,556,963, C>T on the plus strand (G>A on the coding strand, the complement: ALKBH8 is on the minus strand). VCF-style: chr11-107556963-C-T. GRCh37 (hg19) VCF-style: chr11-107427689-C-T.
Other names: c.170G>A, p.Ser57Asn (NM_001301010.3, NM_001378133.1); short protein forms S57N.
Identifiers: ClinVar variation 2574520 (VCV002574520.2), dbSNP rs756570425, ClinGen allele CA6261317.